The following is an entry in ClinVar:

NM_133642.5(LARGE1):c.106+6A>C

Gene: LARGE1 (LARGE xylosyl- and glucuronyltransferase 1; minus strand). Cytogenetic location: 22q12.3.
Variant type: single nucleotide variant.
Coding change: c.106+6A>C on transcript NM_133642.5 (MANE Select); 6 bases into the intron after coding-DNA position 106, A replaced by C.
Molecular consequence: intron variant.
Genome position (GRCh38, 1-based): chr22:33,761,365, T>G on the plus strand (A>C on the coding strand, the complement: LARGE1 is on the minus strand). VCF-style: chr22-33761365-T-G. GRCh37 (hg19) VCF-style: chr22-34157352-T-G.
Other names: c.106+6A>C (NM_001362953.2, NM_001362949.2, NM_001378627.1 and 7 more transcripts).
Identifiers: ClinVar variation 1025735 (VCV001025735.6), dbSNP rs746650831, ClinGen allele CA10203166.

ClinVar aggregate classification (germline): Uncertain significance (1 of 4 stars; one submission).

Conditions:
Muscular dystrophy-dystroglycanopathy type B6 (MDDGB6). Also called: MUSCULAR DYSTROPHY, CONGENITAL, LARGE-RELATED; MUSCULAR DYSTROPHY, CONGENITAL, TYPE 1D; MUSCULAR DYSTROPHY-DYSTROGLYCANOPATHY (CONGENITAL WITH IMPAIRED INTELLECTUAL DEVELOPMENT), TYPE B, 6. Identifiers: MedGen C1837229, MONDO:0012138, OMIM 608840.

Allele frequency attached by ClinVar (database versions not stated): gnomAD 0.00001; gnomAD exomes 0.00001 and 0.00002; TOPMed 0.00001; ExAC 0.00003.
gnomAD v4.1: 18 of 1,609,990 alleles (0.0011%); highest among the groups gnomAD compares: Non-Finnish European, 0.0015%; no homozygotes.

Submission:

Labcorp Genetics (formerly Invitae), Labcorp
Classification: Uncertain significance for Muscular dystrophy-dystroglycanopathy type B6. Last evaluated: 2021-08-31. Review status: criteria provided, single submitter. Criteria: Invitae Variant Classification Sherloc (09022015). Collection method: clinical testing. Allele origin: germline.
Comment: This sequence change falls in intron 3 of the LARGE1 gene. It does not directly change the encoded amino acid sequence of the LARGE1 protein. It affects a nucleotide within the consensus splice site of the intron. This variant is present in population databases (rs746650831, ExAC 0.006%). This variant has not been reported in the literature in individuals affected with LARGE1-related conditions. Variants that disrupt the consensus splice site are a relatively common cause of aberrant splicing (PMID: 17576681, 9536098). Algorithms developed to predict the effect of sequence changes on RNA splicing suggest that this variant is not likely to affect RNA splicing. In summary, the available evidence is currently insufficient to determine the role of this variant in disease. Therefore, it has been classified as a Variant of Uncertain Significance.

Literature cited by the submitters: PubMed 17576681; PubMed 9536098.